The following is an entry in ClinVar:

NM_023004.6(RTN4R):c.1086C>T (p.Arg362=)

Gene: RTN4R (reticulon 4 receptor; minus strand). Cytogenetic location: 22q11.21.
Variant type: single nucleotide variant.
Coding change: c.1086C>T on transcript NM_023004.6 (MANE Select); coding-DNA position 1086, C replaced by T.
Protein change: p.Arg362=; no amino-acid change (arginine 362 retained).
Molecular consequence: synonymous variant.
Genome position (GRCh38, 1-based): chr22:20,242,047, G>A on the plus strand (C>T on the coding strand, the complement: RTN4R is on the minus strand). VCF-style: chr22-20242047-G-A. GRCh37 (hg19) VCF-style: chr22-20229570-G-A.
Identifiers: ClinVar variation 3040330 (VCV003040330.2), dbSNP rs145150796, ClinGen allele CA10109450.

ClinVar aggregate classification (germline): Likely benign (0 of 4 stars; one submission).

Conditions:
RTN4R-related disorder. Also called: RTN4R-related condition.

Allele frequency attached by ClinVar (database versions not stated): 1000 Genomes Project 30x 0.00031; 1000 Genomes Project 0.00040; ESP Exome Variant Server 0.00108.
gnomAD v4.1: 192 of 1,612,360 alleles (0.012%); highest among the groups gnomAD compares: African/African-American, 0.24%; 1 homozygote.

Submission:

PreventionGenetics, part of Exact Sciences
Classification: Likely benign for RTN4R-related condition. Last evaluated: 2019-02-20. Review status: no assertion criteria provided. Collection method: clinical testing. Allele origin: germline.
Comment: This variant is classified as likely benign based on ACMG/AMP sequence variant interpretation guidelines (Richards et al. 2015 PMID: 25741868, with internal and published modifications).